The following is an entry in ClinVar:

NM_001042492.3(NF1):c.6700C>T (p.Gln2234Ter)

Gene: NF1 (neurofibromin 1; plus strand). Cytogenetic location: 17q11.2.
Variant type: single nucleotide variant.
Coding change: c.6700C>T on transcript NM_001042492.3 (MANE Select); coding-DNA position 6700, C replaced by T.
Protein change: p.Gln2234Ter; replaces glutamine 2234 with a stop codon.
Molecular consequence: nonsense.
Genome position (GRCh38, 1-based): chr17:31,337,876, C>T. VCF-style: chr17-31337876-C-T. GRCh37 (hg19) VCF-style: chr17-29664894-C-T.
Other names: c.6637C>T, p.Gln2213Ter (NM_000267.4); short protein forms Q2213*, Q2234*.
Identifiers: ClinVar variation 583019 (VCV000583019.11), dbSNP rs1567617727, ClinGen allele CA399013953.
Genomic context (GRCh38, chr17:31,337,876, plus strand): 5'-TAGGCATGCATGAGAGATATTCCAACGTGCAAGTGGCTGGACCAGTGGACAGAACTAGCT[C>T]AAAGGTATGTCCTAAATTAAATATAAGTTGTAAAAATATGCATATTGTTGAAAATACAGC-3'

ClinVar aggregate classification (germline): Pathogenic. Review status: criteria provided, multiple submitters, no conflicts (2 of 4 stars). 3 submissions from 3 submitters: Pathogenic (3). Last evaluated 2025-04-08.

Conditions:
Cardiovascular phenotype. Identifiers: MedGen CN230736.
Hereditary cancer-predisposing syndrome. Also called: Neoplastic Syndromes, Hereditary; Hereditary Cancer Syndrome; Tumor predisposition; Hereditary neoplastic syndrome. Identifiers: Orphanet 140162, MedGen C0027672, MeSH D009386, MONDO:0015356.
Neurofibromatosis, type 1 (NF1). Also called: Peripheral type neurofibromatosis; VON RECKLINGHAUSEN DISEASE; NEUROFIBROMATOSIS, TYPE I, SOMATIC; Neurofibromatosis, type I. Identifiers: Orphanet 636, MedGen C0027831, MONDO:0018975, OMIM 162200. Disease mechanism: loss of function.

Submissions (3):

Greenwood Genetic Center Diagnostic Laboratories, Greenwood Genetic Center
Classification: Pathogenic for Neurofibromatosis, type 1. Last evaluated: 2025-04-08. Review status: criteria provided, single submitter. Criteria: ACMG Guidelines, 2015. Collection method: clinical testing. Allele origin: germline. Affected: yes.
Comment: PVS1, PS4_Supporting, PM2

Ambry Genetics
Classification: Pathogenic for Cardiovascular phenotype; Hereditary cancer-predisposing syndrome. Last evaluated: 2022-08-19. Review status: criteria provided, single submitter. Criteria: Ambry Variant Classification Scheme 2023. Collection method: clinical testing. Allele origin: germline.
Comment: The p.Q2213* variant (also known as c.6637C>T), located in coding exon 43 of the NF1 gene, results from a C to T substitution at nucleotide position 6637. This changes the amino acid from a glutamine to a stop codon within coding exon 43. This variant is considered to be rare based on population cohorts in the Genome Aggregation Database (gnomAD). In addition to the clinical data presented in the literature, this alteration is expected to result in loss of function by premature protein truncation or nonsense-mediated mRNA decay. As such, this alteration is interpreted as a disease-causing mutation.

Labcorp Genetics (formerly Invitae), Labcorp
Classification: Pathogenic for Neurofibromatosis, type 1. Last evaluated: 2019-06-20. Review status: criteria provided, single submitter. Criteria: Invitae Variant Classification Sherloc (09022015). Collection method: clinical testing. Allele origin: germline.
Comment: For these reasons, this variant has been classified as Pathogenic. Loss-of-function variants in NF1 are known to be pathogenic (PMID: 10712197, 23913538). This variant has not been reported in the literature in individuals with NF1-related conditions. ClinVar contains an entry for this variant (Variation ID: 583019). This variant is not present in population databases (ExAC no frequency). This sequence change creates a premature translational stop signal (p.Gln2213*) in the NF1 gene. It is expected to result in an absent or disrupted protein product.

Literature cited by the submitters: PubMed 10712197 (cited by Labcorp Genetics (formerly Invitae), Labcorp); PubMed 23913538 (cited by Labcorp Genetics (formerly Invitae), Labcorp).